The following is an entry in ClinVar:

ClinVar aggregate classification (germline): Benign/Likely benign. Review status: criteria provided, multiple submitters, no conflicts (2 of 4 stars). 9 submissions from 8 submitters: Benign (2); Likely benign (5). 2 of the submissions do not count toward it. Last evaluated 2025-12-21.

Conditions:
Emery-Dreifuss muscular dystrophy 4, autosomal dominant (EDMD4). Also called: EMERY-DREIFUSS MUSCULAR DYSTROPHY 4 WITH VARIABLE FEATURES. Identifiers: Orphanet 261, MedGen C2751807, MONDO:0013071, OMIM 612998.
Autosomal recessive ataxia, Beauce type. Also called: SYNE1 Deficiency; SYNE1-Related Autosomal Recessive Cerebellar Ataxia; ATAXIA, RECESSIVE, OF BEAUCE; Spinocerebellar ataxia, autosomal recessive 8. Identifiers: Orphanet 88644, MedGen C1853116, MONDO:0012549, OMIM 610743.

Allele frequency attached by ClinVar (database versions not stated): gnomAD 0.00001 and 0.00015; TOPMed 0.00006; 1000 Genomes Project 30x 0.00047; 1000 Genomes Project 0.00060; ExAC 0.00082.
gnomAD v4.1: 525 of 1,614,174 alleles (0.033%); highest among the groups gnomAD compares: South Asian, 0.53%; 8 homozygotes.

Submissions (9):

Labcorp Genetics (formerly Invitae), Labcorp
Classification: Likely benign for Emery-Dreifuss muscular dystrophy 4, autosomal dominant; Autosomal recessive ataxia, Beauce type. Last evaluated: 2025-12-21. Review status: criteria provided, single submitter. Criteria: Invitae Variant Classification Sherloc (09022015). Collection method: clinical testing. Allele origin: germline.

CeGaT Center for Human Genetics Tuebingen
Classification: Likely benign. Last evaluated: 2022-04-01. Review status: criteria provided, single submitter. Criteria: CeGaT Center For Human Genetics Tuebingen Variant Classification Criteria Version 2. Collection method: clinical testing. Allele origin: germline. Affected: yes. Observed: 1 variant allele.
Comment: SYNE1: BP4, BS2

Illumina Laboratory Services, Illumina
Classification: Benign for Emery-Dreifuss muscular dystrophy 4, autosomal dominant. Last evaluated: 2018-01-13. Review status: criteria provided, single submitter. Criteria: ICSL Variant Classification Criteria 13 December 2019. Collection method: clinical testing. Allele origin: germline.
Comment: This variant was observed in the ICSL laboratory as part of a predisposition screen in an ostensibly healthy population. It had not been previously curated by ICSL or reported in the Human Gene Mutation Database (HGMD: prior to June 1st, 2018), and was therefore a candidate for classification through an automated scoring system. Utilizing variant allele frequency, disease prevalence and penetrance estimates, and inheritance mode, an automated score was calculated to assess if this variant is too frequent to cause the disease. Based on the score and internal cut-off values, a variant classified as benign is not then subjected to further curation. The score for this variant resulted in a classification of benign for this disease.

Illumina Laboratory Services, Illumina
Classification: Likely benign for Autosomal recessive ataxia, Beauce type. Last evaluated: 2018-01-13. Review status: criteria provided, single submitter. Criteria: ICSL Variant Classification Criteria 13 December 2019. Collection method: clinical testing. Allele origin: germline.
Comment: This variant was observed in the ICSL laboratory as part of a predisposition screen in an ostensibly healthy population. It had not been previously curated by ICSL or reported in the Human Gene Mutation Database (HGMD: prior to June 1st, 2018), and was therefore a candidate for classification through an automated scoring system. Utilizing variant allele frequency, disease prevalence and penetrance estimates, and inheritance mode, an automated score was calculated to assess if this variant is too frequent to cause the disease. Based on the score and internal cut-off values, a variant classified as likely benign is not then subjected to further curation. The score for this variant resulted in a classification of likely benign for this disease.

Genetic Services Laboratory, University of Chicago
Classification: Likely benign. Last evaluated: 2017-11-02. Review status: criteria provided, single submitter. Criteria: ACMG Guidelines, 2015. Collection method: clinical testing. Allele origin: germline. Affected: no.

Eurofins Ntd Llc (ga)
Classification: Benign. Last evaluated: 2016-05-31. Review status: criteria provided, single submitter. Criteria: EGL Classification Definitions 2015. Collection method: clinical testing. Allele origin: germline. Observed: 1 variant allele, 1 homozygote.

Breakthrough Genomics
Classification: Likely benign. Review status: criteria provided, single submitter. Criteria: ACMG Guidelines, 2015. Collection method: not provided. Allele origin: germline. Inheritance: Autosomal recessive inheritance. Affected: yes.

Clinical Genetics DNA and cytogenetics Diagnostics Lab, Erasmus MC, Erasmus Medical Center
Classification: Uncertain significance. Review status: no assertion criteria provided. Collection method: clinical testing. Allele origin: germline. Affected: yes. Study: VKGL Data-share Consensus. Not counted in ClinVar's aggregate classification.

Laboratory of Diagnostic Genome Analysis, Leiden University Medical Center (LUMC)
Classification: Uncertain significance. Review status: no assertion criteria provided. Collection method: clinical testing. Allele origin: germline. Affected: yes. Study: VKGL Data-share Consensus. Not counted in ClinVar's aggregate classification.

NM_182961.4(SYNE1):c.7611G>T (p.Arg2537Ser)

Gene: SYNE1 (spectrin repeat containing nuclear envelope protein 1; minus strand). Cytogenetic location: 6q25.2.
Variant type: single nucleotide variant.
Coding change: c.7611G>T on transcript NM_182961.4 (MANE Select); coding-DNA position 7611, G replaced by T.
Protein change: p.Arg2537Ser; replaces arginine 2537 with serine.
Molecular consequence: missense variant.
Genome position (GRCh38, 1-based): chr6:152,395,617, C>A on the plus strand (G>T on the coding strand, the complement: SYNE1 is on the minus strand). VCF-style: chr6-152395617-C-A. GRCh37 (hg19) VCF-style: chr6-152716752-C-A.
Other names: c.7632G>T, p.Arg2544Ser (NM_033071.5); short protein forms R2537S, R2544S.
Identifiers: ClinVar variation 288386 (VCV000288386.56), dbSNP rs568309673, ClinGen allele CA4057769.